The following is an entry in ClinVar:

ClinVar aggregate classification (germline): Uncertain significance (1 of 4 stars; one submission).

Allele frequency attached by ClinVar (database versions not stated): TOPMed below 0.00001.

Submission:

Labcorp Genetics (formerly Invitae), Labcorp
Classification: Uncertain significance. Last evaluated: 2025-01-20. Review status: criteria provided, single submitter. Criteria: Invitae Variant Classification Sherloc (09022015). Collection method: clinical testing. Allele origin: germline.
Comment: This sequence change replaces proline, which is neutral and non-polar, with threonine, which is neutral and polar, at codon 971 of the CACNA1E protein (p.Pro971Thr). This variant is not present in population databases (gnomAD no frequency). This variant has not been reported in the literature in individuals affected with CACNA1E-related conditions. ClinVar contains an entry for this variant (Variation ID: 1404375). Invitae Evidence Modeling of protein sequence and biophysical properties (such as structural, functional, and spatial information, amino acid conservation, physicochemical variation, residue mobility, and thermodynamic stability) indicates that this missense variant is not expected to disrupt CACNA1E protein function with a negative predictive value of 95%. In summary, the available evidence is currently insufficient to determine the role of this variant in disease. Therefore, it has been classified as a Variant of Uncertain Significance.

NM_001205293.3(CACNA1E):c.2911C>A (p.Pro971Thr)

Gene: CACNA1E (calcium voltage-gated channel subunit alpha1 E; plus strand). Cytogenetic location: 1q25.3.
Variant type: single nucleotide variant.
Coding change: c.2911C>A on transcript NM_001205293.3 (MANE Select); coding-DNA position 2911, C replaced by A.
Protein change: p.Pro971Thr; replaces proline 971 with threonine.
Molecular consequence: missense variant.
Genome position (GRCh38, 1-based): chr1:181,732,997, C>A. VCF-style: chr1-181732997-C-A. GRCh37 (hg19) VCF-style: chr1-181702133-C-A.
Other names: c.2911C>A, p.Pro971Thr (NM_000721.4); c.2854C>A, p.Pro952Thr (NM_001205294.2); short protein forms P952T, P971T.
Identifiers: ClinVar variation 1404375 (VCV001404375.8), dbSNP rs1655663153, ClinGen allele CA343619490.